The following is an entry in ClinVar:

ClinVar aggregate classification (germline): Uncertain significance. Review status: criteria provided, multiple submitters, no conflicts (2 of 4 stars). 6 submissions from 5 submitters: Uncertain significance (6). Last evaluated 2024-02-01.

Conditions:
Leber congenital amaurosis 3 (LCA3). Also called: SPATA7-Related Retinitis Pigmentosa. Identifiers: MedGen C1858677, MONDO:0011415, OMIM 604232.
Retinitis pigmentosa (RP). Identifiers: Orphanet 791, MedGen C0035334, MeSH D012174, MONDO:0019200, OMIM 268000. Inheritance: Autosomal dominant, autosomal recessive and X linked inheritance.
Inborn genetic diseases. Identifiers: MedGen C0950123, MeSH D030342.

Allele frequency attached by ClinVar (database versions not stated): ExAC 0.00007; TOPMed 0.00007; gnomAD 0.00009 and 0.00010; ESP Exome Variant Server 0.00023.
gnomAD v4.1: 285 of 1,613,994 alleles (0.018%); highest among the groups gnomAD compares: Non-Finnish European, 0.022%; no homozygotes.

Submissions (6):

CeGaT Center for Human Genetics Tuebingen
Classification: Uncertain significance. Last evaluated: 2024-02-01. Review status: criteria provided, single submitter. Criteria: CeGaT Center For Human Genetics Tuebingen Variant Classification Criteria Version 2. Collection method: clinical testing. Allele origin: germline. Affected: yes. Observed: 1 variant allele.
Comment: SPATA7: PM2, BP4

Blueprint Genetics
Classification: Uncertain significance. Last evaluated: 2023-09-14. Review status: criteria provided, single submitter. Criteria: ACMG Guidelines, 2015. Collection method: clinical testing. Allele origin: germline.

Ambry Genetics
Classification: Uncertain significance for Inborn genetic diseases. Last evaluated: 2022-12-16. Review status: criteria provided, single submitter. Criteria: Ambry Variant Classification Scheme 2023. Collection method: clinical testing. Allele origin: germline.

Labcorp Genetics (formerly Invitae), Labcorp
Classification: Uncertain significance for Leber congenital amaurosis 3. Last evaluated: 2022-02-05. Review status: criteria provided, single submitter. Criteria: Invitae Variant Classification Sherloc (09022015). Collection method: clinical testing. Allele origin: germline.
Comment: This sequence change replaces threonine, which is neutral and polar, with alanine, which is neutral and non-polar, at codon 536 of the SPATA7 protein (p.Thr536Ala). This variant is present in population databases (rs200231959, gnomAD 0.01%). This variant has not been reported in the literature in individuals affected with SPATA7-related conditions. ClinVar contains an entry for this variant (Variation ID: 314791). Algorithms developed to predict the effect of missense changes on protein structure and function (SIFT, PolyPhen-2, Align-GVGD) all suggest that this variant is likely to be disruptive. In summary, the available evidence is currently insufficient to determine the role of this variant in disease. Therefore, it has been classified as a Variant of Uncertain Significance.

Illumina Laboratory Services, Illumina
Classification: Uncertain significance for Retinitis pigmentosa. Last evaluated: 2018-01-13. Review status: criteria provided, single submitter. Criteria: ICSL Variant Classification Criteria 13 December 2019. Collection method: clinical testing. Allele origin: germline.

Illumina Laboratory Services, Illumina
Classification: Uncertain significance for Leber congenital amaurosis 3. Last evaluated: 2018-01-13. Review status: criteria provided, single submitter. Criteria: ICSL Variant Classification Criteria 13 December 2019. Collection method: clinical testing. Allele origin: germline.

NM_018418.5(SPATA7):c.1606A>G (p.Thr536Ala)

Gene: SPATA7 (spermatogenesis associated 7; plus strand). Cytogenetic location: 14q31.3.
Variant type: single nucleotide variant.
Coding change: c.1606A>G on transcript NM_018418.5 (MANE Select); coding-DNA position 1606, A replaced by G.
Protein change: p.Thr536Ala; replaces threonine 536 with alanine.
Molecular consequence: missense variant.
Genome position (GRCh38, 1-based): chr14:88,438,228, A>G. VCF-style: chr14-88438228-A-G. GRCh37 (hg19) VCF-style: chr14-88904572-A-G.
Other names: c.1510A>G, p.Thr504Ala (NM_001040428.4); short protein forms T536A, T504A.
Identifiers: ClinVar variation 314791 (VCV000314791.34), dbSNP rs200231959, ClinGen allele CA7298842.